The following is an entry in ClinVar:

NM_005560.6(LAMA5):c.9613G>A (p.Ala3205Thr)

Gene: LAMA5 (laminin subunit alpha 5; minus strand). Cytogenetic location: 20q13.33.
Variant type: single nucleotide variant.
Coding change: c.9613G>A on transcript NM_005560.6 (MANE Select); coding-DNA position 9613, G replaced by A.
Protein change: p.Ala3205Thr; replaces alanine 3205 with threonine.
Molecular consequence: missense variant.
Genome position (GRCh38, 1-based): chr20:62,311,942, C>T on the plus strand (G>A on the coding strand, the complement: LAMA5 is on the minus strand). VCF-style: chr20-62311942-C-T. GRCh37 (hg19) VCF-style: chr20-60886998-C-T.
Other names: p.Ala3205Thr; c.9613G>A (NM_005560.3); short protein forms A3205T.
Identifiers: ClinVar variation 2043926 (VCV002043926.6), dbSNP rs148682538, ClinGen allele CA9940146.

ClinVar aggregate classification (germline): Conflicting classifications of pathogenicity. Review status: criteria provided, conflicting classifications (1 of 4 stars). 5 submissions from 5 submitters: Uncertain significance (3); Likely benign (2). Last evaluated 2026-05-01.

Conditions:
Inborn genetic diseases. Identifiers: MedGen C0950123, MeSH D030342.

Allele frequency attached by ClinVar (database versions not stated): gnomAD exomes 0.00008; ExAC 0.00028; ESP Exome Variant Server 0.00054; gnomAD 0.00055; TOPMed 0.00059; 1000 Genomes Project 30x 0.00094; 1000 Genomes Project 0.00120.
gnomAD v4.1: 212 of 1,611,906 alleles (0.013%); highest among the groups gnomAD compares: African/African-American, 0.14%; 1 homozygote.

Submissions (5):

CeGaT Center for Human Genetics Tuebingen
Classification: Likely benign. Last evaluated: 2026-05-01. Review status: criteria provided, single submitter. Criteria: CeGaT Center For Human Genetics Tuebingen Variant Classification Criteria Version 2. Collection method: clinical testing. Allele origin: germline. Affected: yes. Observed: 1 variant allele.
Comment: LAMA5: BP4

Mayo Clinic Laboratories, Mayo Clinic
Classification: Uncertain significance. Last evaluated: 2025-05-22. Review status: criteria provided, single submitter. Criteria: ACMG Guidelines, 2015. Collection method: clinical testing. Allele origin: germline. Observed: 1 variant allele.
Comment: BP4

Ambry Genetics
Classification: Likely benign for Inborn genetic diseases. Last evaluated: 2024-02-26. Review status: criteria provided, single submitter. Criteria: Ambry Variant Classification Scheme 2023. Collection method: clinical testing. Allele origin: germline.

Labcorp Genetics (formerly Invitae), Labcorp
Classification: Uncertain significance. Last evaluated: 2022-04-07. Review status: criteria provided, single submitter. Criteria: Invitae Variant Classification Sherloc (09022015). Collection method: clinical testing. Allele origin: germline.
Comment: This sequence change replaces alanine, which is neutral and non-polar, with threonine, which is neutral and polar, at codon 3205 of the LAMA5 protein (p.Ala3205Thr). This variant is present in population databases (rs148682538, gnomAD 0.1%). This variant has not been reported in the literature in individuals affected with LAMA5-related conditions. Algorithms developed to predict the effect of missense changes on protein structure and function output the following: SIFT: "Tolerated"; PolyPhen-2: "Benign"; Align-GVGD: "Class C0". The threonine amino acid residue is found in multiple mammalian species, which suggests that this missense change does not adversely affect protein function. In summary, the available evidence is currently insufficient to determine the role of this variant in disease. Therefore, it has been classified as a Variant of Uncertain Significance.

Breakthrough Genomics
Classification: Uncertain significance. Review status: criteria provided, single submitter. Criteria: ACMG Guidelines, 2015. Collection method: not provided. Allele origin: germline. Inheritance: Autosomal dominant inheritance. Affected: yes.